The following is an entry in ClinVar:

NM_000350.3(ABCA4):c.1706A>G (p.Tyr569Cys)

Gene: ABCA4 (ATP binding cassette subfamily A member 4; minus strand). Cytogenetic location: 1p22.1.
Variant type: single nucleotide variant.
Coding change: c.1706A>G on transcript NM_000350.3 (MANE Select); coding-DNA position 1706, A replaced by G.
Protein change: p.Tyr569Cys; replaces tyrosine 569 with cysteine.
Molecular consequence: missense variant.
Genome position (GRCh38, 1-based): chr1:94,063,166, T>C on the plus strand (A>G on the coding strand, the complement: ABCA4 is on the minus strand). VCF-style: chr1-94063166-T-C. GRCh37 (hg19) VCF-style: chr1-94528722-T-C.
Other names: c.1706A>G, p.Tyr569Cys (NM_001425324.1); short protein forms Y569C.
Identifiers: ClinVar variation 1420472 (VCV001420472.7), dbSNP rs1661176744, ClinGen allele CA341280080.

ClinVar aggregate classification (germline): Uncertain significance. Review status: criteria provided, multiple submitters, no conflicts (2 of 4 stars). 2 submissions from 2 submitters: Uncertain significance (2). Last evaluated 2022-02-01.

Allele frequency attached by ClinVar (database versions not stated): gnomAD exomes below 0.00001.
gnomAD v4.1: 1 of 1,614,178 alleles (0.000062%); highest among the groups gnomAD compares: Non-Finnish European, 0.000085%; no homozygotes.

Submissions (2):

Labcorp Genetics (formerly Invitae), Labcorp
Classification: Uncertain significance. Last evaluated: 2022-02-01. Review status: criteria provided, single submitter. Criteria: Invitae Variant Classification Sherloc (09022015). Collection method: clinical testing. Allele origin: germline.
Comment: Advanced modeling of protein sequence and biophysical properties (such as structural, functional, and spatial information, amino acid conservation, physicochemical variation, residue mobility, and thermodynamic stability) performed at Invitae indicates that this missense variant is expected to disrupt ABCA4 protein function. In summary, the available evidence is currently insufficient to determine the role of this variant in disease. Therefore, it has been classified as a Variant of Uncertain Significance. Algorithms developed to predict the effect of sequence changes on RNA splicing suggest that this variant may create or strengthen a splice site. This missense change has been observed in individual(s) with Stargardt disease (PMID: 30060493). This variant is not present in population databases (gnomAD no frequency). This sequence change replaces tyrosine, which is neutral and polar, with cysteine, which is neutral and slightly polar, at codon 569 of the ABCA4 protein (p.Tyr569Cys).

Blueprint Genetics
Classification: Uncertain significance. Last evaluated: 2021-01-08. Review status: criteria provided, single submitter. Criteria: ACMG Guidelines, 2015. Collection method: clinical testing. Allele origin: germline.

Literature cited by the submitters: PubMed 30060493 (cited by Labcorp Genetics (formerly Invitae), Labcorp).